The following is an entry in ClinVar:

NM_201384.3(PLEC):c.13461T>C (p.Ala4487=)

Gene: PLEC (plectin; minus strand). Cytogenetic location: 8q24.3.
Variant type: single nucleotide variant.
Coding change: c.13461T>C on transcript NM_201384.3 (MANE Select); coding-DNA position 13461, T replaced by C.
Protein change: p.Ala4487=; no amino-acid change (alanine 4487 retained).
Molecular consequence: synonymous variant.
Genome position (GRCh38, 1-based): chr8:143,916,360, A>G on the plus strand (T>C on the coding strand, the complement: PLEC is on the minus strand). VCF-style: chr8-143916360-A-G. GRCh37 (hg19) VCF-style: chr8-144990528-A-G.
Other names: p.Ala4473=; c.13542T>C, p.Ala4514= (NM_000445.5); c.13419T>C, p.Ala4473= (NM_201378.4); c.13395T>C, p.Ala4465= (NM_201379.3); c.13872T>C, p.Ala4624= (NM_201380.4); c.13365T>C, p.Ala4455= (NM_201381.3); c.13461T>C, p.Ala4487= (NM_201382.4); c.13473T>C, p.Ala4491= (NM_201383.3).
Identifiers: ClinVar variation 93033 (VCV000093033.29), dbSNP rs7014582, ClinGen allele CA146304.

ClinVar aggregate classification (germline): Benign. Review status: criteria provided, multiple submitters, no conflicts (2 of 4 stars). 14 submissions from 10 submitters: Benign (13). 1 of the submissions does not count toward it. Last evaluated 2026-02-04.

Conditions:
Autosomal recessive limb-girdle muscular dystrophy type 2Q (LGMDR17). Also called: MUSCULAR DYSTROPHY, LIMB-GIRDLE, AUTOSOMAL RECESSIVE 17. Identifiers: Orphanet 254361, MedGen C3150989, MONDO:0013390, OMIM 613723.
Epidermolysis bullosa simplex 5C, with pyloric atresia (EBS5C). Also called: PLEC-Related Epidermolysis Bullosa with Pyloric Atresia; Epidermolysis bullosa simplex with pyloric atresia; PLEC1-Related Epidermolysis Bullosa with Pyloric Atresia. Identifiers: Orphanet 158684, MedGen C2677349, MONDO:0012807, OMIM 612138.
Epidermolysis bullosa simplex, Ogna type (EBS5A). Also called: EPIDERMOLYSIS BULLOSA SIMPLEX 5A, OGNA TYPE; Pidermolysis bullosa simplex 5A, Ogna type. Identifiers: Orphanet 79401, MedGen C0432317, MONDO:0007555, OMIM 131950.
Epidermolysis bullosa simplex 5B, with muscular dystrophy (EBS5B). Also called: EPIDERMOLYSIS BULLOSA SIMPLEX AND LIMB-GIRDLE MUSCULAR DYSTROPHY; Epidermolysis bullosa simplex with muscular dystrophy. Identifiers: Orphanet 257, MedGen C2931072, MONDO:0009181, OMIM 226670.
Epidermolysis bullosa simplex with nail dystrophy (EBS5D). Identifiers: MedGen C4225309, MONDO:0014661, OMIM 616487.

Allele frequency attached by ClinVar (database versions not stated): gnomAD exomes 0.40266 and 0.42811; ExAC 0.41913; 1000 Genomes Project 0.47704; 1000 Genomes Project 30x 0.49360; gnomAD 0.52666 and 0.54076; TOPMed 0.53750; ESP Exome Variant Server 0.54066.
gnomAD v4.1: 704,177 of 1,607,936 alleles (44%); highest among the groups gnomAD compares: African/African-American, 85%; 163,640 homozygotes.

Submissions (14):

Labcorp Genetics (formerly Invitae), Labcorp
Classification: Benign for Autosomal recessive limb-girdle muscular dystrophy type 2Q; Epidermolysis bullosa simplex, Ogna type; Epidermolysis bullosa simplex with nail dystrophy; Epidermolysis bullosa simplex 5C, with pyloric atresia; Epidermolysis bullosa simplex 5B, with muscular dystrophy. Last evaluated: 2026-02-04. Review status: criteria provided, single submitter. Criteria: Invitae Variant Classification Sherloc (09022015). Collection method: clinical testing. Allele origin: germline.

Blueprint Genetics
Classification: Benign. Last evaluated: 2024-11-27. Review status: criteria provided, single submitter. Criteria: ACMG Guidelines, 2015. Collection method: clinical testing. Allele origin: germline.

Genome-Nilou Lab
Classification: Benign for Epidermolysis bullosa simplex with nail dystrophy. Last evaluated: 2021-10-25. Review status: criteria provided, single submitter. Criteria: ACMG Guidelines, 2015. Collection method: clinical testing. Allele origin: germline. Affected: no.

Genome-Nilou Lab
Classification: Benign for Epidermolysis bullosa simplex, Ogna type. Last evaluated: 2021-10-25. Review status: criteria provided, single submitter. Criteria: ACMG Guidelines, 2015. Collection method: clinical testing. Allele origin: germline. Affected: no.

Genome-Nilou Lab
Classification: Benign for Epidermolysis bullosa simplex 5B, with muscular dystrophy. Last evaluated: 2021-10-25. Review status: criteria provided, single submitter. Criteria: ACMG Guidelines, 2015. Collection method: clinical testing. Allele origin: germline. Affected: no.

Genome-Nilou Lab
Classification: Benign for Epidermolysis bullosa simplex 5C, with pyloric atresia. Last evaluated: 2021-10-25. Review status: criteria provided, single submitter. Criteria: ACMG Guidelines, 2015. Collection method: clinical testing. Allele origin: germline. Affected: no.

Genome-Nilou Lab
Classification: Benign for Autosomal recessive limb-girdle muscular dystrophy type 2Q. Last evaluated: 2021-10-25. Review status: criteria provided, single submitter. Criteria: ACMG Guidelines, 2015. Collection method: clinical testing. Allele origin: germline. Affected: no.

Mayo Clinic Laboratories, Mayo Clinic
Classification: Benign. Last evaluated: 2017-07-24. Review status: criteria provided, single submitter. Criteria: ACMG Guidelines, 2015. Collection method: clinical testing. Allele origin: germline. Observed: 925 variant alleles.

Eurofins Ntd Llc (ga)
Classification: Benign. Last evaluated: 2016-11-14. Review status: criteria provided, single submitter. Criteria: EGL Classification Definitions 2015. Collection method: clinical testing. Allele origin: germline. Observed: 81 variant alleles, 43 heterozygotes, 38 homozygotes.

GeneDx
Classification: Benign. Last evaluated: 2015-03-03. Review status: criteria provided, single submitter. Criteria: GeneDx Variant Classification Process June 2021. Collection method: clinical testing. Allele origin: germline. Affected: yes.

Laboratory for Molecular Medicine, Mass General Brigham Personalized Medicine
Classification: Benign. Last evaluated: 2015-01-13. Review status: criteria provided, single submitter. Criteria: LMM Criteria. Collection method: clinical testing. Allele origin: germline. Observed: 10 variant alleles.
Comment: p.Ala4624Ala in exon 32 of PLEC: This variant is not expected to have clinical s ignificance because it does not alter an amino acid residue and is not located w ithin the splice consensus sequence. It has been identified in 41.9% (3324/7934) of European American chromosomes from a broad population by the NHLBI Exome Seq uencing Project (dbSNP rs7014582).

Breakthrough Genomics
Classification: Benign. Review status: criteria provided, single submitter. Criteria: ACMG Guidelines, 2015. Collection method: not provided. Allele origin: germline. Inheritance: Autosomal recessive inheritance. Affected: yes.

PreventionGenetics, part of Exact Sciences
Classification: Benign. Review status: criteria provided, single submitter. Criteria: ACMG Guidelines, 2015. Collection method: clinical testing. Allele origin: germline.

Genetic Services Laboratory, University of Chicago
Classification: Likely benign for AllHighlyPenetrant. Review status: no assertion criteria provided. Collection method: clinical testing. Allele origin: germline. Inheritance: Autosomal recessive inheritance. Not counted in ClinVar's aggregate classification.
Comment: Likely benign based on allele frequency in 1000 Genomes Project or ESP global frequency and its presence in a patient with a rare or unrelated disease phenotype. NOT Sanger confirmed.